The following is an entry in ClinVar:

ClinVar aggregate classification (germline): Uncertain significance (1 of 4 stars; one submission).

Submission:

GeneDx
Classification: Uncertain significance. Last evaluated: 2023-05-18. Review status: criteria provided, single submitter. Criteria: GeneDx Variant Classification Process June 2021. Collection method: clinical testing. Allele origin: germline. Affected: yes.
Comment: Not observed at significant frequency in large population cohorts (gnomAD); In-frame deletion of 2 amino acids in a non-repeat region; In silico analysis supports that this variant does not alter protein structure/function; Has not been previously published as pathogenic or benign to our knowledge

NM_003403.5(YY1):c.635_640del (p.Ile212_Lys213del)

Gene: YY1 (YY1 transcription factor; plus strand). Cytogenetic location: 14q32.2.
Variant type: Deletion.
Coding change: c.635_640del on transcript NM_003403.5 (MANE Select); coding-DNA positions 635 to 640, 6 bases deleted (TCAAGA; older notation c.635_640delTCAAGA).
Protein change: p.Ile212_Lys213del.
Molecular consequence: inframe deletion. On other transcripts: inframe indel (1).
Genome position (GRCh38, 1-based): chr14:100,239,879-100,239,884, TCAAGA deleted; deleting any 6 consecutive bases within chr14:100,239,876-100,239,884 gives the same sequence; the c. name uses the placement nearest the transcript's 3' end. VCF-style (leftmost placement, unchanged base first): chr14-100239875-CAGATCA-C. GRCh37 (hg19) VCF-style: chr14-100706212-CAGATCA-C.
Other names: c.635_640delTCAAGA, p.Ile212_Lys213del (NM_003403.4).
Identifiers: ClinVar variation 3343605 (VCV003343605.1).
Genomic context (GRCh38, chr14:100,239,875, plus strand): 5'-GGCGCGGCGGGCGGCGGCGGCGCCGACCCGGGCAACAAGAAGTGGGAGCAGAAGCAGGTG[CAGATCA>C]AGACCCTGGAGGGCGAGTTCTCGGTCACCATGTGGTCCTCAGGTGAGCGCCGGCCGCGCG-3'